The following is an entry in ClinVar:

NM_001371986.1(UNC80):c.9722C>G (p.Pro3241Arg)

Gene: UNC80 (unc-80 subunit of NALCN channel complex; plus strand). Cytogenetic location: 2q34.
Variant type: single nucleotide variant.
Coding change: c.9722C>G on transcript NM_001371986.1 (MANE Select); coding-DNA position 9722, C replaced by G.
Protein change: p.Pro3241Arg; replaces proline 3241 with arginine.
Molecular consequence: missense variant.
Genome position (GRCh38, 1-based): chr2:209,995,342, C>G. VCF-style: chr2-209995342-C-G. GRCh37 (hg19) VCF-style: chr2-210860066-C-G.
Other names: c.9524C>G, p.Pro3175Arg (NM_032504.2); c.9452C>G, p.Pro3151Arg (NM_182587.4); short protein forms P3151R, P3241R, P3175R.
Identifiers: ClinVar variation 2114452 (VCV002114452.4), dbSNP rs775831769, ClinGen allele CA350416155.
Genomic context (GRCh38, chr2:209,995,342, plus strand): 5'-GGTACCCATCCTATCTTTCCATAATGTTATGATCCTTTTGATCACAGAGTGAGAACTTCC[C>G]CACTGAAGAAGGAGAAAAGGAGGAGGACACAGAAGCACAAGGTGCTACTGCACACAGTCC-3'
Protein context (NP_001358915.1, residues 3231-3251): SVSPKQSENF[Pro3241Arg]TEEGEKEEDT

ClinVar aggregate classification (germline): Uncertain significance (1 of 4 stars; one submission).

Submission:

Labcorp Genetics (formerly Invitae), Labcorp
Classification: Uncertain significance. Last evaluated: 2022-03-19. Review status: criteria provided, single submitter. Criteria: Invitae Variant Classification Sherloc (09022015). Collection method: clinical testing. Allele origin: germline.
Comment: In summary, the available evidence is currently insufficient to determine the role of this variant in disease. Therefore, it has been classified as a Variant of Uncertain Significance. Algorithms developed to predict the effect of missense changes on protein structure and function are either unavailable or do not agree on the potential impact of this missense change (SIFT: "Not Available"; PolyPhen-2: "Benign"; Align-GVGD: "Not Available"). This variant has not been reported in the literature in individuals affected with UNC80-related conditions. This variant is not present in population databases (gnomAD no frequency). This sequence change replaces proline, which is neutral and non-polar, with arginine, which is basic and polar, at codon 3175 of the UNC80 protein (p.Pro3175Arg).